The following is an entry in ClinVar:

ClinVar aggregate classification (germline): Conflicting classifications of pathogenicity. Review status: criteria provided, conflicting classifications (1 of 4 stars). 4 submissions from 4 submitters: Uncertain significance (3); Benign (1). Last evaluated 2025-05-11.

Conditions:
Inborn genetic diseases. Identifiers: MedGen C0950123, MeSH D030342.
Amyotrophic lateral sclerosis type 4 (ALS4). Also called: AMYOTROPHIC LATERAL SCLEROSIS 4, JUVENILE; NEURONOPATHY, DISTAL HEREDITARY MOTOR, WITH PYRAMIDAL FEATURES. Identifiers: Orphanet 357043, MedGen C1865409, MONDO:0011223, OMIM 602433.
Spinocerebellar ataxia, autosomal recessive, with axonal neuropathy 2 (SCAN2). Also called: Ataxia with Oculomotor Apraxia Type 2; ATAXIA-OCULOMOTOR APRAXIA 2; Ataxia-ocular apraxia-2; Ataxia with Oculomotor Apraxia. Identifiers: Orphanet 64753, MedGen C1853761, MONDO:0018996, OMIM 606002.
SETX-related disorder. Also called: SETX-related condition; SETX-related disorders. Identifiers: MedGen CN239403.

gnomAD v4.1: 5 of 1,614,032 alleles (0.00031%); highest among the groups gnomAD compares: African/African-American, 0.0053%; no homozygotes.

Submissions (4):

Mayo Clinic Laboratories, Mayo Clinic
Classification: Uncertain significance. Last evaluated: 2025-05-11. Review status: criteria provided, single submitter. Criteria: ACMG Guidelines, 2015. Collection method: clinical testing. Allele origin: germline. Observed: 1 variant allele.

Labcorp Genetics (formerly Invitae), Labcorp
Classification: Benign for Amyotrophic lateral sclerosis type 4; Spinocerebellar ataxia, autosomal recessive, with axonal neuropathy 2. Last evaluated: 2025-02-26. Review status: criteria provided, single submitter. Criteria: Invitae Variant Classification Sherloc (09022015). Collection method: clinical testing. Allele origin: germline.

PreventionGenetics, part of Exact Sciences
Classification: Uncertain significance for SETX-related condition. Last evaluated: 2025-02-24. Review status: criteria provided, single submitter. Criteria: ACMG Guidelines, 2015. Collection method: clinical testing. Allele origin: germline.
Comment: The SETX c.647T>C variant is predicted to result in the amino acid substitution p.Leu216Pro. To our knowledge, this variant has not been reported in the literature. This variant is reported in 0.0062% of alleles in individuals of African descent in gnomAD. At this time, the clinical significance of this variant is uncertain due to the absence of conclusive functional and genetic evidence.

Ambry Genetics
Classification: Uncertain significance for Inborn genetic diseases. Last evaluated: 2025-02-19. Review status: criteria provided, single submitter. Criteria: Ambry Variant Classification Scheme 2023. Collection method: clinical testing. Allele origin: germline.

NM_015046.7(SETX):c.647T>C (p.Leu216Pro)

Gene: SETX (senataxin; minus strand). Cytogenetic location: 9q34.13.
Variant type: single nucleotide variant.
Coding change: c.647T>C on transcript NM_015046.7 (MANE Select); coding-DNA position 647, T replaced by C.
Protein change: p.Leu216Pro; replaces leucine 216 with proline.
Molecular consequence: missense variant.
Genome position (GRCh38, 1-based): chr9:132,336,367, A>G on the plus strand (T>C on the coding strand, the complement: SETX is on the minus strand). VCF-style: chr9-132336367-A-G. GRCh37 (hg19) VCF-style: chr9-135211754-A-G.
Other names: p.Leu216Pro; c.647T>C, p.Leu216Pro (NM_001351527.2, NM_001351528.2); short protein forms L216P.
Identifiers: ClinVar variation 3794692 (VCV003794692.4).